The following is an entry in ClinVar:

ClinVar aggregate classification (germline): Conflicting classifications of pathogenicity. Review status: criteria provided, conflicting classifications (1 of 4 stars). 2 submissions from 2 submitters: Uncertain significance (1); Likely benign (1). Last evaluated 2024-08-21.

Conditions:
Deafness-lymphedema-leukemia syndrome. Also called: Emberger syndrome; Lymphedema, primary, with myelodysplasia. Identifiers: Orphanet 3226, MedGen C3279664, MONDO:0013540, OMIM 614038.
Monocytopenia with susceptibility to infections. Also called: MONOCYTOPENIA AND MYCOBACTERIAL INFECTION SYNDROME; MONOCYTOPENIA WITH SUSCEPTIBILITY TO MYCOBACTERIAL, FUNGAL, AND PAPILLOMAVIRUS INFECTIONS AND MYELODYSPLASIA; IMMUNODEFICIENCY 21; GATA2 DEFICIENCY; COMBINED IMMUNODEFICIENCY WITH SUSCEPTIBILITY TO MYCOBACTERIAL, VIRAL, AND FUNGAL INFECTIONS; Dendritic cell, monocyte, B lymphocyte, and natural killer lymphocyte deficiency. Identifiers: Orphanet 228423, MedGen C3280030, MONDO:0013607, OMIM 614172.
Inborn genetic diseases. Identifiers: MedGen C0950123, MeSH D030342.

Allele frequency attached by ClinVar (database versions not stated): ExAC 0.00001; gnomAD exomes 0.00001.

Submissions (2):

Ambry Genetics
Classification: Likely benign for Inborn genetic diseases. Last evaluated: 2024-08-21. Review status: criteria provided, single submitter. Criteria: Ambry Variant Classification Scheme 2023. Collection method: clinical testing. Allele origin: germline.

Labcorp Genetics (formerly Invitae), Labcorp
Classification: Uncertain significance for Monocytopenia with susceptibility to infections; Deafness-lymphedema-leukemia syndrome. Last evaluated: 2021-05-17. Review status: criteria provided, single submitter. Criteria: Invitae Variant Classification Sherloc (09022015). Collection method: clinical testing. Allele origin: germline.
Comment: This variant has not been reported in the literature in individuals with GATA2-related conditions. This variant is present in population databases (rs774005466, ExAC 0.008%). This sequence change replaces methionine with valine at codon 11 of the GATA2 protein (p.Met11Val). The methionine residue is moderately conserved and there is a small physicochemical difference between methionine and valine. Advanced modeling of protein sequence and biophysical properties (such as structural, functional, and spatial information, amino acid conservation, physicochemical variation, residue mobility, and thermodynamic stability) performed at Invitae indicates that this missense variant is not expected to disrupt GATA2 protein function. In summary, the available evidence is currently insufficient to determine the role of this variant in disease. Therefore, it has been classified as a Variant of Uncertain Significance.

NM_032638.5(GATA2):c.31A>G (p.Met11Val)

Gene: GATA2 (GATA binding protein 2; minus strand). Cytogenetic location: 3q21.3.
Variant type: single nucleotide variant.
Coding change: c.31A>G on transcript NM_032638.5 (MANE Select); coding-DNA position 31, A replaced by G.
Protein change: p.Met11Val; replaces methionine 11 with valine.
Molecular consequence: missense variant.
Genome position (GRCh38, 1-based): chr3:128,487,001, T>C on the plus strand (A>G on the coding strand, the complement: GATA2 is on the minus strand). VCF-style: chr3-128487001-T-C. GRCh37 (hg19) VCF-style: chr3-128205844-T-C.
Other names: c.31A>G (NM_032638.4); c.31A>G, p.Met11Val (NM_001145661.2, NM_001145662.1); short protein forms M11V.
Identifiers: ClinVar variation 1381075 (VCV001381075.9), dbSNP rs774005466, ClinGen allele CA2600121.